The following is an entry in ClinVar:

ClinVar aggregate classification (germline): Uncertain significance (1 of 4 stars; one submission).

Conditions:
X-linked agammaglobulinemia with growth hormone deficiency (IGHD3). Also called: Isolated growth hormone deficiency type 3; Growth hormone deficiency with hypogammaglobulinemia; ISOLATED GROWTH HORMONE DEFICIENCY, TYPE III, WITH AGAMMAGLOBULINEMIA; AGAMMAGLOBULINEMIA AND ISOLATED GROWTH HORMONE DEFICIENCY, X-LINKED; FLEISHER SYNDROME; HYPOGAMMAGLOBULINEMIA AND ISOLATED GROWTH HORMONE DEFICIENCY, X-LINKED. Identifiers: Orphanet 231692, Orphanet 631, MedGen C0472813, MONDO:0010615, OMIM 307200.

Submission:

Labcorp Genetics (formerly Invitae), Labcorp
Classification: Uncertain significance for X-linked agammaglobulinemia with growth hormone deficiency. Last evaluated: 2025-12-10. Review status: criteria provided, single submitter. Criteria: Invitae Variant Classification Sherloc (09022015). Collection method: clinical testing. Allele origin: germline.
Comment: This sequence change replaces glycine, which is neutral and non-polar, with valine, which is neutral and non-polar, at codon 262 of the BTK protein (p.Gly262Val). This variant is not present in population databases (gnomAD no frequency). This variant has not been reported in the literature in individuals affected with BTK-related conditions. Invitae Evidence Modeling of protein sequence and biophysical properties (such as structural, functional, and spatial information, amino acid conservation, physicochemical variation, residue mobility, and thermodynamic stability) indicates that this missense variant is expected to disrupt BTK protein function with a positive predictive value of 95%. In summary, the available evidence is currently insufficient to determine the role of this variant in disease. Therefore, it has been classified as a Variant of Uncertain Significance.

NM_000061.3(BTK):c.785G>T (p.Gly262Val)

Gene: BTK (Bruton tyrosine kinase; minus strand). Cytogenetic location: Xq22.1.
Variant type: single nucleotide variant.
Coding change: c.785G>T on transcript NM_000061.3 (MANE Select); coding-DNA position 785, G replaced by T.
Protein change: p.Gly262Val; replaces glycine 262 with valine.
Molecular consequence: missense variant.
Genome position (GRCh38, 1-based): chrX:101,360,142, C>A on the plus strand (G>T on the coding strand, the complement: BTK is on the minus strand). VCF-style: chrX-101360142-C-A. GRCh37 (hg19) VCF-style: chrX-100615130-C-A.
Other names: c.887G>T, p.Gly296Val (NM_001287344.2); c.785G>T, p.Gly262Val (NM_001287345.2); short protein forms G262V, G296V.
Identifiers: ClinVar variation 4746913 (VCV004746913.1).